The following is an entry in ClinVar:

NM_003118.4(SPARC):c.733G>A (p.Gly245Arg)

Gene: SPARC (secreted protein acidic and cysteine rich; minus strand). Cytogenetic location: 5q33.1.
Variant type: single nucleotide variant.
Coding change: c.733G>A on transcript NM_003118.4 (MANE Select); coding-DNA position 733, G replaced by A.
Protein change: p.Gly245Arg; replaces glycine 245 with arginine.
Molecular consequence: missense variant.
Genome position (GRCh38, 1-based): chr5:151,666,362, C>T on the plus strand (G>A on the coding strand, the complement: SPARC is on the minus strand). VCF-style: chr5-151666362-C-T. GRCh37 (hg19) VCF-style: chr5-151045923-C-T.
Other names: p.Gly245Arg; c.730G>A, p.Gly244Arg (NM_001309443.2); c.733G>A, p.Gly245Arg (NM_001309444.2); c.733G>A (NM_003118.2); short protein forms G244R, G245R.
Identifiers: ClinVar variation 785151 (VCV000785151.43), dbSNP rs41290587, ClinGen allele CA3522604.

ClinVar aggregate classification (germline): Conflicting classifications of pathogenicity. Review status: criteria provided, conflicting classifications (1 of 4 stars). 8 submissions from 8 submitters: Uncertain significance (1); Benign (1); Likely benign (5). 1 of the submissions does not count toward it. Last evaluated 2026-02-01.

Conditions:
SPARC-related disorder. Also called: SPARC-related condition.
Inborn genetic diseases. Identifiers: MedGen C0950123, MeSH D030342.
Osteogenesis imperfecta (OI). Identifiers: Orphanet 666, MedGen C0029434, MeSH D010013, MONDO:0019019.

Allele frequency attached by ClinVar (database versions not stated): 1000 Genomes Project 0.00260; 1000 Genomes Project 30x 0.00297; TOPMed 0.00414; gnomAD 0.00423 and 0.00445; gnomAD exomes 0.00431 and 0.00574; ExAC 0.00457; ESP Exome Variant Server 0.00500.
gnomAD v4.1: 9,106 of 1,613,588 alleles (0.56%); highest among the groups gnomAD compares: Non-Finnish European, 0.67%; 33 homozygotes.

Submissions (8):

Labcorp Genetics (formerly Invitae), Labcorp
Classification: Likely benign. Last evaluated: 2026-02-01. Review status: criteria provided, single submitter. Criteria: Invitae Variant Classification Sherloc (09022015). Collection method: clinical testing. Allele origin: germline.

CeGaT Center for Human Genetics Tuebingen
Classification: Likely benign. Last evaluated: 2025-10-01. Review status: criteria provided, single submitter. Criteria: CeGaT Center For Human Genetics Tuebingen Variant Classification Criteria Version 2. Collection method: clinical testing. Allele origin: germline. Affected: yes. Observed: 4 variant alleles.
Comment: SPARC: BS2

Mayo Clinic Laboratories, Mayo Clinic
Classification: Benign. Last evaluated: 2023-02-01. Review status: criteria provided, single submitter. Criteria: ACMG Guidelines, 2015. Collection method: clinical testing. Allele origin: germline. Observed: 40 variant alleles.
Comment: BS1, BS2

Genome Diagnostics Laboratory, The Hospital for Sick Children
Classification: Likely benign for Osteogenesis imperfecta. Last evaluated: 2022-03-29. Review status: criteria provided, single submitter. Criteria: ACMG Guidelines, 2015. Collection method: clinical testing. Allele origin: germline.

Ambry Genetics
Classification: Uncertain significance for Inborn genetic diseases. Last evaluated: 2022-03-28. Review status: criteria provided, single submitter. Criteria: Ambry Variant Classification Scheme 2023. Collection method: clinical testing. Allele origin: germline.

GeneDx
Classification: Likely benign. Last evaluated: 2021-11-05. Review status: criteria provided, single submitter. Criteria: GeneDx Variant Classification Process June 2021. Collection method: clinical testing. Allele origin: germline. Affected: yes.

Breakthrough Genomics
Classification: Likely benign. Review status: criteria provided, single submitter. Criteria: ACMG Guidelines, 2015. Collection method: not provided. Allele origin: germline. Inheritance: Autosomal recessive inheritance. Affected: yes.

PreventionGenetics, part of Exact Sciences
Classification: Likely benign for SPARC-related condition. Last evaluated: 2019-05-08. Review status: no assertion criteria provided. Collection method: clinical testing. Allele origin: germline. Not counted in ClinVar's aggregate classification.
Comment: This variant is classified as likely benign based on ACMG/AMP sequence variant interpretation guidelines (Richards et al. 2015 PMID: 25741868, with internal and published modifications).